The following is an entry in ClinVar:

ClinVar aggregate classification (germline): Uncertain significance (1 of 4 stars; one submission).

Submission:

Women's Health and Genetics/Laboratory Corporation of America, LabCorp
Classification: Uncertain significance. Last evaluated: 2024-08-27. Review status: criteria provided, single submitter. Criteria: LabCorp Variant Classification Summary - May 2015. Collection method: clinical testing. Allele origin: germline.
Comment: Variant summary: The variant involves the deletion of exons 8-12 in the CEP290 gene. A presumed nomenclature of c.(495+1_496-1)_(1065+1_1066-1)del has been designated for the purposes of this classification. This Copy Number Variant (CNV) is predicted to result in an in-frame deletion within this gene. The variant was absent in 21694 control chromosomes. The available data on variant occurrences in the general population are insufficient to allow any conclusion about variant significance. To our knowledge, no occurrence of c.(495+1_496-1)_(1065+1_1066-1)del in individuals affected with Meckel Syndrome Type 4 and no experimental evidence demonstrating its impact on protein function have been reported. No submitters have cited clinical-significance assessments for this variant to ClinVar. Based on the evidence outlined above, the variant was classified as uncertain significance.

NC_000012.11:g.(88519147_88520092)_(88524343_88524941)del

Gene: CEP290 (centrosomal protein 290; minus strand). Cytogenetic location: 12q21.32.
Variant type: Deletion.
Identifiers: ClinVar variation 3366574 (VCV003366574.1).